The following is an entry in ClinVar:

ClinVar aggregate classification (germline): Conflicting classifications of pathogenicity. Review status: criteria provided, conflicting classifications (1 of 4 stars). 2 submissions from 2 submitters: Uncertain significance (1); Likely benign (1). Last evaluated 2024-04-29.

Conditions:
Baller-Gerold syndrome (BGS). Also called: CRANIOSYNOSTOSIS WITH RADIAL DEFECTS. Identifiers: Orphanet 1225, MedGen C0265308, MONDO:0009039, OMIM 218600.

Allele frequency attached by ClinVar (database versions not stated): gnomAD 0.00001 and 0.00002; TOPMed 0.00001.
gnomAD v4.1: 5 of 1,599,520 alleles (0.00031%); highest among the groups gnomAD compares: South Asian, 0.0022%; no homozygotes.

Submissions (2):

Labcorp Genetics (formerly Invitae), Labcorp
Classification: Likely benign for Baller-Gerold syndrome. Last evaluated: 2024-04-29. Review status: criteria provided, single submitter. Criteria: Invitae Variant Classification Sherloc (09022015). Collection method: clinical testing. Allele origin: germline.

GeneDx
Classification: Uncertain significance. Last evaluated: 2022-06-29. Review status: criteria provided, single submitter. Criteria: GeneDx Variant Classification Process June 2021. Collection method: clinical testing. Allele origin: germline. Affected: yes.
Comment: Not observed at significant frequency in large population cohorts (gnomAD); In silico analysis supports that this variant does not alter splicing; Has not been previously published as pathogenic or benign to our knowledge

NM_004260.4(RECQL4):c.2388G>A (p.Glu796=)

Gene: RECQL4 (RecQ like helicase 4; minus strand). Cytogenetic location: 8q24.3.
Variant type: single nucleotide variant.
Coding change: c.2388G>A on transcript NM_004260.4 (MANE Select); coding-DNA position 2388, G replaced by A.
Protein change: p.Glu796=; no amino-acid change (glutamic acid 796 retained).
Molecular consequence: synonymous variant.
Genome position (GRCh38, 1-based): chr8:144,513,293, C>T on the plus strand (G>A on the coding strand, the complement: RECQL4 is on the minus strand). VCF-style: chr8-144513293-C-T. GRCh37 (hg19) VCF-style: chr8-145738676-C-T.
Identifiers: ClinVar variation 1089114 (VCV001089114.8), dbSNP rs1378138545, ClinGen allele CA463566701.